The following is an entry in ClinVar:

ClinVar aggregate classification (germline): Uncertain significance (1 of 4 stars; one submission).

Conditions:
Inborn genetic diseases. Identifiers: MedGen C0950123, MeSH D030342.

Submission:

Ambry Genetics
Classification: Uncertain significance for Inborn genetic diseases. Last evaluated: 2026-04-28. Review status: criteria provided, single submitter. Criteria: Ambry Variant Classification Scheme 2023. Collection method: clinical testing. Allele origin: germline.
Comment: The p.M1200R variant (also known as c.3599T>G), located in coding exon 17 of the MECOM gene, results from a T to G substitution at nucleotide position 3599. The methionine at codon 1200 is replaced by arginine, an amino acid with similar properties. This amino acid position is conserved. In addition, the in silico prediction for this alteration is inconclusive. Based on the available evidence, the clinical significance of this variant remains unclear.

NM_004991.4(MECOM):c.3599T>G (p.Met1200Arg)

Gene: MECOM (MDS1 and EVI1 complex locus; minus strand). Cytogenetic location: 3q26.2.
Variant type: single nucleotide variant.
Coding change: c.3599T>G on transcript NM_004991.4 (MANE Select); coding-DNA position 3599, T replaced by G.
Protein change: p.Met1200Arg; replaces methionine 1200 with arginine.
Molecular consequence: missense variant.
Genome position (GRCh38, 1-based): chr3:169,085,030, A>C on the plus strand (T>G on the coding strand, the complement: MECOM is on the minus strand). VCF-style: chr3-169085030-A-C. GRCh37 (hg19) VCF-style: chr3-168802818-A-C.
Other names: c.3230T>G, p.Met1077Arg (NM_001105077.4); c.3035T>G, p.Met1012Arg (NM_001105078.4, NM_001205194.2, NM_001366469.2 and 1 more transcripts); c.3011T>G, p.Met1004Arg (NM_001163999.2, NM_001366470.2); c.3008T>G, p.Met1003Arg (NM_001164000.2, NM_001366471.2, NM_001366472.2); c.3572T>G, p.Met1191Arg (NM_001366466.2); c.3038T>G, p.Met1013Arg (NM_001366467.2, NM_001366468.2); c.2600T>G, p.Met867Arg (NM_001366473.2); c.2036T>G, p.Met679Arg (NM_001366474.2); short protein forms M1003R, M1004R, M1012R, M1013R, M1077R, M1191R, M1200R, M679R.
Identifiers: ClinVar variation 4859764 (VCV004859764.1).
Genomic context (GRCh38, chr3:169,085,030, plus strand): 5'-CACACGTTGGAAGAACTGTGGGATGTAGAATGGAGGGACTCCTTGTCAGACAGTGACAGC[A>C]TCATAGCATATGCCTGGGGTAAAAAGGAGAGAGACTCAGTAAATGGCATTTGAAAAACAT-3'
Protein context (NP_004982.2, residues 1190-1210): RKSKSQAYAM[Met1200Arg]LSLSDKESLH